The following is an entry in ClinVar:

ClinVar aggregate classification (germline): Likely benign (1 of 4 stars; one submission).

Conditions:
SHANK3-related disorder. Also called: SHANK3-related condition.

Submission:

PreventionGenetics, part of Exact Sciences
Classification: Likely benign for SHANK3-related condition. Last evaluated: 2025-06-09. Review status: criteria provided, single submitter. Criteria: ACMG Guidelines, 2015. Collection method: clinical testing. Allele origin: germline.
Comment: This variant is classified as likely benign based on ACMG/AMP sequence variant interpretation guidelines (Richards et al. 2015 PMID: 25741868, with internal and published modifications).

NM_001372044.2(SHANK3):c.2961C>A (p.Ala987=)

Gene: SHANK3 (SH3 and multiple ankyrin repeat domains 3; plus strand). Cytogenetic location: 22q13.33.
Variant type: single nucleotide variant.
Coding change: c.2961C>A on transcript NM_001372044.2 (MANE Select); coding-DNA position 2961, C replaced by A.
Protein change: p.Ala987=; no amino-acid change (alanine 987 retained).
Molecular consequence: synonymous variant.
Genome position (GRCh38, 1-based): chr22:50,720,569, C>A. VCF-style: chr22-50720569-C-A. GRCh37 (hg19) VCF-style: chr22-51158997-C-A.
Other names: c.2736C>A (NM_033517.1).
Identifiers: ClinVar variation 4981540 (VCV004981540.1).
Genomic context (GRCh38, chr22:50,720,569, plus strand): 5'-GATCATCCTGCAGGACTCGGCGCCCGAGTCGGGCGACGCCCCTCGACCCCCGCCCGCGGC[C>A]ACCCCGCCCGAGCGACCCAAGCGCCGGCCGCGGCCGCCCGGCCCCGACAGCCCCTACGCC-3'
Protein context (NP_001358973.1, residues 977-997): SGDAPRPPPA[Ala987=]TPPERPKRRP